The following is an entry in ClinVar:

NM_000212.3(ITGB3):c.614+1G>T

Gene: ITGB3 (integrin subunit beta 3; plus strand). Cytogenetic location: 17q21.32.
Variant type: single nucleotide variant.
Coding change: c.614+1G>T on transcript NM_000212.3 (MANE Select); the canonical splice donor site of the intron after coding-DNA position 614, G replaced by T.
Molecular consequence: splice donor variant.
Genome position (GRCh38, 1-based): chr17:47,284,696, G>T. VCF-style: chr17-47284696-G-T. GRCh37 (hg19) VCF-style: chr17-45362062-G-T.
Identifiers: ClinVar variation 1210175 (VCV001210175.2), dbSNP rs2065096678, ClinGen allele CA400023344.

ClinVar aggregate classification (germline): Likely pathogenic (3 of 4 stars; one submission).

Conditions:
Glanzmann thrombasthenia. Also called: BLEEDING DISORDER, PLATELET-TYPE, 2; THROMBASTHENIA OF GLANZMANN AND NAEGELI; PLATELET GLYCOPROTEIN IIb-IIIa DEFICIENCY; Thrombasthenia; Glanzmann's thrombasthenia. Identifiers: Orphanet 849, MedGen C0040015, MONDO:0100326.

Submission:

ClinGen Platelet Disorders Variant Curation Expert Panel, ClinGen
Classification: Likely pathogenic for Glanzmann thrombasthenia. Last evaluated: 2024-09-05. Review status: reviewed by expert panel. Criteria: ClinGen Platelet ACMG Specifications v2-1. Collection method: curation. Allele origin: germline. Inheritance: Autosomal recessive inheritance.
Comment: The c.614+1G>T variant on ITGB3 gene is a canonical splice donor variant that has been reported previously in the context of Glanzmann Thrombasthenia (PMID: 25728920). It is predicted to cause a disruption of the canonical donor splice site in intron 4, this is expected to cause a frameshift with premature stop at codon 122 (exon 5 of 15), therefore NMD would be expected. (PVS1). It is absent from all major population cohorts in gnomADv4.1 (PM2_supporting). This variant has been reported in homozygosity in two symptomatic siblings who meet diagnostic criteria for GT phenotype (PMID: 25728920). However, the siblings are homozygous for both c.614+1G>T and Arg228His and while this splice variant is Likely Pathogenic an impact of the missense variant can not be excluded so this case has not been considered in the classification of this variant. This variant meets GT-specific criteria for PVS1 and PM2_supporting and is therefore classified as Likely Pathogenic.